The following is an entry in ClinVar:

NM_016341.4(PLCE1):c.4724G>A (p.Arg1575Gln)

Genes: PLCE1 (phospholipase C epsilon 1; plus strand), PLCE1-AS1 (PLCE1 antisense RNA 1; minus strand). Cytogenetic location: 10q23.33.
Variant type: single nucleotide variant.
Coding change: c.4724G>A on transcript NM_016341.4 (MANE Select); coding-DNA position 4724, G replaced by A.
Protein change: p.Arg1575Gln; replaces arginine 1575 with glutamine.
Molecular consequence: missense variant. On other transcripts: non-coding transcript variant (1).
Genome position (GRCh38, 1-based): chr10:94,279,840, G>A. VCF-style: chr10-94279840-G-A. GRCh37 (hg19) VCF-style: chr10-96039597-G-A.
Other names: c.3800G>A, p.Arg1267Gln (NM_001165979.2); c.4676G>A, p.Arg1559Gln (NM_001288989.2); short protein forms R1575Q, R1559Q, R1267Q.
Identifiers: ClinVar variation 501892 (VCV000501892.15), dbSNP rs2274224, ClinGen allele CA5613213.

ClinVar aggregate classification (germline): Uncertain significance. Review status: criteria provided, multiple submitters, no conflicts (2 of 4 stars). 5 submissions from 5 submitters: Uncertain significance (5). Last evaluated 2025-06-06.

Conditions:
Nephrotic syndrome, type 3 (NPHS3). Also called: NEPHROTIC SYNDROME, EARLY-ONSET, TYPE 3. Identifiers: Orphanet 656, MedGen C1853124, MONDO:0012546, OMIM 610725.

gnomAD v4.1: 223 of 1,613,004 alleles (0.014%); highest among the groups gnomAD compares: Non-Finnish European, 0.018%; no homozygotes.

Submissions (5):

GeneDx
Classification: Uncertain significance. Last evaluated: 2025-06-06. Review status: criteria provided, single submitter. Criteria: GeneDx Variant Classification Process June 2021. Collection method: clinical testing. Allele origin: germline. Affected: yes.
Comment: In silico analysis suggests that this missense variant does not alter protein structure/function; Has not been previously published as pathogenic or benign to our knowledge

Labcorp Genetics (formerly Invitae), Labcorp
Classification: Uncertain significance. Last evaluated: 2024-02-27. Review status: criteria provided, single submitter. Criteria: Invitae Variant Classification Sherloc (09022015). Collection method: clinical testing. Allele origin: germline.
Comment: This sequence change replaces arginine, which is basic and polar, with glutamine, which is neutral and polar, at codon 1575 of the PLCE1 protein (p.Arg1575Gln). This variant is present in population databases (rs2274224, gnomAD 0.02%). This variant has not been reported in the literature in individuals affected with PLCE1-related conditions. ClinVar contains an entry for this variant (Variation ID: 501892). Advanced modeling of protein sequence and biophysical properties (such as structural, functional, and spatial information, amino acid conservation, physicochemical variation, residue mobility, and thermodynamic stability) performed at Invitae indicates that this missense variant is not expected to disrupt PLCE1 protein function with a negative predictive value of 80%. In summary, the available evidence is currently insufficient to determine the role of this variant in disease. Therefore, it has been classified as a Variant of Uncertain Significance.

Fulgent Genetics
Classification: Uncertain significance for Nephrotic syndrome, type 3. Last evaluated: 2024-02-06. Review status: criteria provided, single submitter. Criteria: ACMG Guidelines, 2015. Collection method: clinical testing. Allele origin: germline.

Eurofins Ntd Llc (ga)
Classification: Uncertain significance. Last evaluated: 2017-05-08. Review status: criteria provided, single submitter. Criteria: EGL Classification Definitions 2015. Collection method: clinical testing. Allele origin: germline. Observed: 1 variant allele, 1 heterozygote.

Illumina Laboratory Services, Illumina
Classification: Uncertain significance for Nephrotic syndrome, type 3. Last evaluated: 2017-04-27. Review status: criteria provided, single submitter. Criteria: ICSL Variant Classification Criteria 13 December 2019. Collection method: clinical testing. Allele origin: germline.